The following is an entry in ClinVar:

ClinVar aggregate classification (germline): Uncertain significance (1 of 4 stars; one submission).

Conditions:
Duchenne muscular dystrophy (DMD). Also called: Duchenne Muscular Dystrophy (DMD); MUSCULAR DYSTROPHY, PSEUDOHYPERTROPHIC PROGRESSIVE, DUCHENNE TYPE. Identifiers: Orphanet 98896, MedGen C0013264, MONDO:0010679, OMIM 310200.

Allele frequency attached by ClinVar (database versions not stated): gnomAD exomes below 0.00001.
gnomAD v4.1: 2 of 1,211,195 alleles (0.00017%); highest among the groups gnomAD compares: African/African-American, 0.0017%; no homozygotes.

Submission:

Labcorp Genetics (formerly Invitae), Labcorp
Classification: Uncertain significance for Duchenne muscular dystrophy. Last evaluated: 2021-04-13. Review status: criteria provided, single submitter. Criteria: Invitae Variant Classification Sherloc (09022015). Collection method: clinical testing. Allele origin: germline.
Comment: This variant has not been reported in the literature in individuals with DMD-related conditions. In summary, the available evidence is currently insufficient to determine the role of this variant in disease. Therefore, it has been classified as a Variant of Uncertain Significance. Algorithms developed to predict the effect of missense changes on protein structure and function (SIFT, PolyPhen-2, Align-GVGD) all suggest that this variant is likely to be tolerated, but these predictions have not been confirmed by published functional studies and their clinical significance is uncertain. This variant is not present in population databases (ExAC no frequency). This sequence change replaces alanine with threonine at codon 1738 of the DMD protein (p.Ala1738Thr). The alanine residue is highly conserved and there is a small physicochemical difference between alanine and threonine.

NM_004006.3(DMD):c.5212G>A (p.Ala1738Thr)

Gene: DMD (dystrophin; minus strand). Cytogenetic location: Xp21.1.
Variant type: single nucleotide variant.
Coding change: c.5212G>A on transcript NM_004006.3 (MANE Select); coding-DNA position 5212, G replaced by A.
Protein change: p.Ala1738Thr; replaces alanine 1738 with threonine.
Molecular consequence: missense variant.
Genome position (GRCh38, 1-based): chrX:32,362,901, C>T on the plus strand (G>A on the coding strand, the complement: DMD is on the minus strand). VCF-style: chrX-32362901-C-T. GRCh37 (hg19) VCF-style: chrX-32381018-C-T.
Other names: c.5188G>A, p.Ala1730Thr (NM_000109.4); c.5200G>A, p.Ala1734Thr (NM_004009.3); c.4843G>A, p.Ala1615Thr (NM_004010.3); c.1189G>A, p.Ala397Thr (NM_004011.4); c.1180G>A, p.Ala394Thr (NM_004012.4); short protein forms A394T, A397T, A1615T, A1730T, A1738T, A1734T.
Identifiers: ClinVar variation 1511916 (VCV001511916.8), dbSNP rs2147234161, ClinGen allele CA412671276.
Genomic context (GRCh38, chrX:32,362,901, plus strand): 5'-AGATTTGGGGCTCTACTAATTTCCTGCAGTGGTCACCGCGGTTTGCCATCAAGTTTGCTG[C>T]TTGGTCACGTGTAGAGTCCACCTTTGGGCGTATGTCATTCAGTTCTGCCTTTAAACGCTA-3'
Protein context (NP_003997.2, residues 1728-1748): RPKVDSTRDQ[Ala1738Thr]ANLMANRGDH